The following is an entry in ClinVar:

ClinVar aggregate classification (germline): Uncertain significance (1 of 4 stars; one submission).

gnomAD v4.1: 2 of 1,611,506 alleles (0.00012%); highest among the groups gnomAD compares: Middle Eastern, 0.017%; no homozygotes.

Submission:

Ambry Genetics
Classification: Uncertain significance. Last evaluated: 2025-07-31. Review status: criteria provided, single submitter. Criteria: Ambry Variant Classification Scheme 2023. Collection method: clinical testing. Allele origin: germline.
Comment: The p.H336D variant (also known as c.1006C>G), located in coding exon 5 of the PALLD gene, results from a C to G substitution at nucleotide position 1006. The histidine at codon 336 is replaced by aspartic acid, an amino acid with similar properties. This amino acid position is conserved. In addition, this alteration is predicted to be deleterious by in silico analysis. Based on the available evidence, the clinical significance of this variant remains unclear.

NM_001166108.2(PALLD):c.2518C>G (p.His840Asp)

Genes: CBR4 (carbonyl reductase 4; minus strand), PALLD (palladin, cytoskeletal associated protein; plus strand). Cytogenetic location: 4q32.3.
Variant type: single nucleotide variant.
Coding change: c.2518C>G on transcript NM_001166108.2 (MANE Select); coding-DNA position 2518, C replaced by G.
Protein change: p.His840Asp; replaces histidine 840 with aspartic acid.
Molecular consequence: missense variant.
Genome position (GRCh38, 1-based): chr4:168,903,802, C>G. VCF-style: chr4-168903802-C-G. GRCh37 (hg19) VCF-style: chr4-169824953-C-G.
Other names: c.1321C>G, p.His441Asp (NM_001166109.2); c.1006C>G, p.His336Asp (NM_001166110.2); c.346C>G, p.His116Asp (NM_001367567.1, NM_001367569.1); c.397C>G, p.His133Asp (NM_001367568.1, NM_001367570.1); c.2467C>G, p.His823Asp (NM_016081.4); short protein forms H133D, H840D, H823D, H116D, H336D, H441D.
Identifiers: ClinVar variation 4130418 (VCV004130418.1).
Genomic context (GRCh38, chr4:168,903,802, plus strand): 5'-TGTTTCTATTCACAGATCTATTGGTTTAAAGATGGGAAGCAGATCTCTCCAAAGAGTGAT[C>G]ACTACACCATTCAAAGAGATCTCGATGGGACCTGCTCCCTCCATACCACAGCCTCCACCC-3'
Protein context (NP_001159580.1, residues 830-850): DGKQISPKSD[His840Asp]YTIQRDLDGT